The following is an entry in ClinVar:

NM_001943.5(DSG2):c.2426C>T (p.Ala809Val)

Genes: DSG2 (desmoglein 2; plus strand), DSG2-AS1 (DSG2 antisense RNA 1; minus strand). Cytogenetic location: 18q12.1.
Variant type: single nucleotide variant.
Coding change: c.2426C>T on transcript NM_001943.5 (MANE Select); coding-DNA position 2426, C replaced by T.
Protein change: p.Ala809Val; replaces alanine 809 with valine.
Molecular consequence: missense variant. On other transcripts: non-coding transcript variant (1).
Genome position (GRCh38, 1-based): chr18:31,545,812, C>T. VCF-style: chr18-31545812-C-T. GRCh37 (hg19) VCF-style: chr18-29125775-C-T.
Other names: c.2426C>T (LRG_397t1); short protein forms A809V.
Identifiers: ClinVar variation 572492 (VCV000572492.9), dbSNP rs1278738577, ClinGen allele CA402144570.
Genomic context (GRCh38, chr18:31,545,812, plus strand): 5'-ATCACACAGCCAAAGATTGCCTTCTGGTTTATTCTCAGGAAGAAACTGAATCGCTGAATG[C>T]TTCTATTGGTTGTTGCAGTTTTATTGAAGGAGAGCTAGATGACCGCTTCTTAGATGATTT-3'
Protein context (NP_001934.2, residues 799-819): YSQEETESLN[Ala809Val]SIGCCSFIEG

ClinVar aggregate classification (germline): Uncertain significance. Review status: criteria provided, multiple submitters, no conflicts (2 of 4 stars). 4 submissions from 4 submitters: Uncertain significance (4). Last evaluated 2025-12-20.

Conditions:
Cardiomyopathy (CMYO). Also called: Cardiomyopathies. Identifiers: Orphanet 167848, MedGen C0878544, MONDO:0004994, HP:0001638. Inheritance: Various modes of inheritance.
Arrhythmogenic right ventricular dysplasia 10. Also called: Arrhythmogenic right ventricular dysplasia/cardiomyopathy, type 10; Arrhythmogenic Right Ventricular Dysplasia/Cardiomyopathy10; ARRHYTHMOGENIC RIGHT VENTRICULAR DYSPLASIA, FAMILIAL, 10. Identifiers: MedGen C1857777, MONDO:0012434, OMIM 610193.
Arrhythmogenic right ventricular cardiomyopathy (ARVD). Also called: Arrhythmogenic cardiomyopathy; Arrhythmogenic Right Ventricular Cardiomyopathy (ARVC); Cardiomyopathy, ARVC; Arrhythmogenic right ventricular dysplasia. Identifiers: Orphanet 247, MedGen C0349788, MeSH D019571, MONDO:0016587. Disease mechanism: loss of function. Inheritance: Various modes of inheritance.

Allele frequency attached by ClinVar (database versions not stated): gnomAD exomes below 0.00001; TOPMed below 0.00001; gnomAD 0.00003.
gnomAD v4.1: 4 of 1,614,144 alleles (0.00025%); highest among the groups gnomAD compares: Non-Finnish European, 0.00025%; no homozygotes.

Submissions (4):

Labcorp Genetics (formerly Invitae), Labcorp
Classification: Uncertain significance for Arrhythmogenic right ventricular dysplasia 10. Last evaluated: 2025-12-20. Review status: criteria provided, single submitter. Criteria: Invitae Variant Classification Sherloc (09022015). Collection method: clinical testing. Allele origin: germline.
Comment: This sequence change replaces alanine, which is neutral and non-polar, with valine, which is neutral and non-polar, at codon 809 of the DSG2 protein (p.Ala809Val). This variant is present in population databases (no rsID available, gnomAD 0.007%). This variant has not been reported in the literature in individuals affected with DSG2-related conditions. ClinVar contains an entry for this variant (Variation ID: 572492). Invitae Evidence Modeling of protein sequence and biophysical properties (such as structural, functional, and spatial information, amino acid conservation, physicochemical variation, residue mobility, and thermodynamic stability) indicates that this missense variant is not expected to disrupt DSG2 protein function with a negative predictive value of 95%. In summary, the available evidence is currently insufficient to determine the role of this variant in disease. Therefore, it has been classified as a Variant of Uncertain Significance.

GeneDx
Classification: Uncertain significance. Last evaluated: 2025-04-22. Review status: criteria provided, single submitter. Criteria: GeneDx Variant Classification Process June 2021. Collection method: clinical testing. Allele origin: germline. Affected: yes.
Comment: Not observed at significant frequency in large population cohorts (gnomAD); In silico analysis supports that this missense variant has a deleterious effect on protein structure/function; Has not been previously published as pathogenic or benign to our knowledge

Color Diagnostics, LLC DBA Color Health
Classification: Uncertain significance for Cardiomyopathy. Last evaluated: 2024-03-06. Review status: criteria provided, single submitter. Criteria: ACMG Guidelines, 2015. Collection method: clinical testing. Allele origin: germline.
Comment: This missense variant replaces alanine with valine at codon 809 of the DSG2 protein. Computational prediction suggests that this variant may not impact protein structure and function. To our knowledge, functional studies have not been reported for this variant. This variant has not been reported in individuals affected with cardiovascular disorders in the literature. This variant has been identified in 1/31402 chromosomes in the general population by the Genome Aggregation Database (gnomAD). The available evidence is insufficient to determine the role of this variant in disease conclusively. Therefore, this variant is classified as a Variant of Uncertain Significance.

All of Us Research Program, National Institutes of Health
Classification: Uncertain significance for Arrhythmogenic right ventricular cardiomyopathy. Last evaluated: 2023-12-18. Review status: criteria provided, single submitter. Criteria: ACMG Guidelines, 2015. Collection method: clinical testing. Allele origin: germline. Inheritance: Autosomal dominant inheritance. Observed: 1 variant allele, 1 heterozygote.
Comment: This missense variant replaces alanine with valine at codon 809 of the DSG2 protein. Computational prediction suggests that this variant may not impact protein structure and function (internally defined REVEL score threshold <= 0.5, PMID: 27666373). To our knowledge, functional studies have not been reported for this variant. This variant has not been reported in individuals affected with cardiovascular disorders in the literature. This variant has been identified in 1/31402 chromosomes in the general population by the Genome Aggregation Database (gnomAD). The available evidence is insufficient to determine the role of this variant in disease conclusively. Therefore, this variant is classified as a Variant of Uncertain Significance.

This study involves interpretation of variants in research participants for the purpose of population health screening. Participant phenotype was not available at the time of variant classification. Additional details can be found in publication PMID: 35346344, PMCID: PMC8962531